The following is an entry in ClinVar:

ClinVar aggregate classification (germline): Uncertain significance. Review status: criteria provided, multiple submitters, no conflicts (2 of 4 stars). 2 submissions from 2 submitters: Uncertain significance (2). Last evaluated 2021-06-03.

Allele frequency attached by ClinVar (database versions not stated): gnomAD exomes below 0.00001.
gnomAD v4.1: 3 of 1,610,932 alleles (0.00019%); highest among the groups gnomAD compares: South Asian, 0.0011%; no homozygotes.

Submissions (2):

GeneDx
Classification: Uncertain significance. Last evaluated: 2021-06-03. Review status: criteria provided, single submitter. Criteria: GeneDx Variant Classification Process June 2021. Collection method: clinical testing. Allele origin: germline. Affected: yes.
Comment: Not observed at significant frequency in large population cohorts (Lek et al., 2016); In silico analysis supports that this missense variant does not alter protein structure/function; Has not been previously published as pathogenic or benign to our knowledge This variant is associated with the following publications: (PMID: 27535533)

Blueprint Genetics
Classification: Uncertain significance. Last evaluated: 2019-06-12. Review status: criteria provided, single submitter. Criteria: ACMG Guidelines, 2015. Collection method: clinical testing. Allele origin: germline.

NM_006005.3(WFS1):c.2422A>G (p.Ser808Gly)

Gene: WFS1 (wolframin ER transmembrane glycoprotein; plus strand). Cytogenetic location: 4p16.1.
Variant type: single nucleotide variant.
Coding change: c.2422A>G on transcript NM_006005.3 (MANE Select); coding-DNA position 2422, A replaced by G.
Protein change: p.Ser808Gly; replaces serine 808 with glycine.
Molecular consequence: missense variant.
Genome position (GRCh38, 1-based): chr4:6,302,217, A>G. VCF-style: chr4-6302217-A-G. GRCh37 (hg19) VCF-style: chr4-6303944-A-G.
Other names: c.2422A>G, p.Ser808Gly (NM_001145853.1); short protein forms S808G.
Identifiers: ClinVar variation 1220275 (VCV001220275.4), dbSNP rs1435758866, ClinGen allele CA356178547.
Genomic context (GRCh38, chr4:6,302,217, plus strand): 5'-GACGGCTCGCGCAGCCGCGAGGAGGACGACGTCACCAAGGACATCGTGCTGCGGGCCAGC[A>G]GCGAGTTCAAGAGCGTGCTGCTCAGCCTGCGCCAGGGCAGCCTCATCGAGTTCAGCACCA-3'
Protein context (NP_005996.2, residues 798-818): VTKDIVLRAS[Ser808Gly]EFKSVLLSLR